The following is an entry in ClinVar:

NM_003480.4(MFAP5):c.59-1G>C

Gene: MFAP5 (microfibril associated protein 5; minus strand). Cytogenetic location: 12p13.31.
Variant type: single nucleotide variant.
Coding change: c.59-1G>C on transcript NM_003480.4 (MANE Select); the canonical splice acceptor site of the intron before coding-DNA position 59, G replaced by C.
Molecular consequence: splice acceptor variant. On other transcripts: intron variant (1).
Genome position (GRCh38, 1-based): chr12:8,660,899, C>G on the plus strand (G>C on the coding strand, the complement: MFAP5 is on the minus strand). VCF-style: chr12-8660899-C-G. GRCh37 (hg19) VCF-style: chr12-8813495-C-G.
Other names: c.58+1148G>C (NM_001297710.2); c.59-1G>C (NM_001297711.2, NM_001297712.2, NM_001297709.2).
Identifiers: ClinVar variation 2445859 (VCV002445859.1), dbSNP rs1179559567, ClinGen allele CA384039649.
Genomic context (GRCh38, chr12:8,660,899, plus strand): 5'-GCCGCTATCCAAGGGTTCACCTACCTCCTCGTTGACTATTGACCCCCAGGGGTATCCAGT[C>G]TATAGCAAAGGAAGAGAAAAGAGATGTGAGTGACTGCAGCTCTATACCTCGTAACCCTTT-3'

ClinVar aggregate classification (germline): Likely pathogenic (1 of 4 stars; one submission).

Conditions:
Familial thoracic aortic aneurysm and aortic dissection (TAAD). Also called: Thoracic aortic aneurysms and dissections. Identifiers: Orphanet 91387, MedGen C4707243, MONDO:0019625.

gnomAD v4.1: 1 of 1,611,678 alleles (0.000062%); highest among the groups gnomAD compares: South Asian, 0.0011%; no homozygotes.

Submission:

Women's Health and Genetics/Laboratory Corporation of America, LabCorp
Classification: Likely pathogenic for Familial thoracic aortic aneurysm and aortic dissection. Last evaluated: 2023-02-15. Review status: criteria provided, single submitter. Criteria: LabCorp Variant Classification Summary - May 2015. Collection method: clinical testing. Allele origin: germline.
Comment: Variant summary: MFAP5 c.59-1G>C is located in a canonical splice-site and is predicted to affect mRNA splicing resulting in a significantly altered protein due to either exon skipping, shortening, or inclusion of intronic material. Several computational tools predict a significant impact on normal splicing: Four predict the variant abolishes a canonical 3' acceptor site. However, these predictions have yet to be confirmed by functional studies. The variant was absent in 251244 control chromosomes. To our knowledge, no occurrence of c.59-1G>C in individuals affected with Thoracic Aortic Aneurysms And Dissections and no experimental evidence demonstrating its impact on protein function have been reported. No submitters have provided clinical-significance assessments for this variant to ClinVar after 2014. Based on the evidence outlined above, the variant was classified as likely pathogenic.